The following is an entry in ClinVar:

NM_015621.3(CCDC69):c.882C>T (p.Leu294=)

Gene: CCDC69 (coiled-coil domain containing 69; minus strand). Cytogenetic location: 5q33.1.
Variant type: single nucleotide variant.
Coding change: c.882C>T on transcript NM_015621.3 (MANE Select); coding-DNA position 882, C replaced by T.
Protein change: p.Leu294=; no amino-acid change (leucine 294 retained).
Molecular consequence: synonymous variant.
Genome position (GRCh38, 1-based): chr5:151,183,446, G>A on the plus strand (C>T on the coding strand, the complement: CCDC69 is on the minus strand). VCF-style: chr5-151183446-G-A. GRCh37 (hg19) VCF-style: chr5-150563007-G-A.
Identifiers: ClinVar variation 2655944 (VCV002655944.24), dbSNP rs374122246, ClinGen allele CA3517404.

ClinVar aggregate classification (germline): Likely benign (1 of 4 stars; one submission).

Allele frequency attached by ClinVar (database versions not stated): gnomAD 0.00013; TOPMed 0.00015; gnomAD exomes 0.00017; ExAC 0.00023; ESP Exome Variant Server 0.00023.
gnomAD v4.1: 281 of 1,602,162 alleles (0.018%); highest among the groups gnomAD compares: Middle Eastern, 1.2%; 2 homozygotes.

Submission:

CeGaT Center for Human Genetics Tuebingen
Classification: Likely benign. Last evaluated: 2022-11-01. Review status: criteria provided, single submitter. Criteria: CeGaT Center For Human Genetics Tuebingen Variant Classification Criteria Version 2. Collection method: clinical testing. Allele origin: germline. Affected: yes. Observed: 1 variant allele.
Comment: CCDC69: BP4, BP7